The following is an entry in ClinVar:

ClinVar aggregate classification (germline): Likely benign (1 of 4 stars; one submission).

gnomAD v4.1: 1,665 of 1,613,876 alleles (0.1%); highest among the groups gnomAD compares: African/African-American, 1.9%; 17 homozygotes.

Submission:

GeneDx
Classification: Likely benign. Last evaluated: 2023-11-20. Review status: criteria provided, single submitter. Criteria: GeneDx Variant Classification Process June 2021. Collection method: clinical testing. Allele origin: germline. Affected: yes.
Comment: See Variant Classification Assertion Criteria.

NM_001040177.3(AKR1E2):c.329C>G (p.Pro110Arg)

Gene: AKR1E2 (aldo-keto reductase family 1 member E2; plus strand). Cytogenetic location: 10p15.1.
Variant type: single nucleotide variant.
Coding change: c.329C>G on transcript NM_001040177.3 (MANE Select); coding-DNA position 329, C replaced by G.
Protein change: p.Pro110Arg; replaces proline 110 with arginine.
Molecular consequence: missense variant. On other transcripts: non-coding transcript variant (3).
Genome position (GRCh38, 1-based): chr10:4,835,679, C>G. VCF-style: chr10-4835679-C-G. GRCh37 (hg19) VCF-style: chr10-4877871-C-G.
Other names: c.329C>G, p.Pro110Arg (NM_001271021.2, NM_001271025.2); short protein forms P110R.
Identifiers: ClinVar variation 3342397 (VCV003342397.1).